The following is an entry in ClinVar:

ClinVar aggregate classification (germline): Uncertain significance. Review status: criteria provided, multiple submitters, no conflicts (2 of 4 stars). 2 submissions from 2 submitters: Uncertain significance (2). Last evaluated 2023-12-28.

Allele frequency attached by ClinVar (database versions not stated): gnomAD 0.00001; TOPMed 0.00001; ESP Exome Variant Server 0.00008.
gnomAD v4.1: 43 of 1,613,466 alleles (0.0027%); highest among the groups gnomAD compares: Non-Finnish European, 0.0036%; no homozygotes.

Submissions (2):

Ambry Genetics
Classification: Uncertain significance. Last evaluated: 2023-12-28. Review status: criteria provided, single submitter. Criteria: Ambry Variant Classification Scheme 2023. Collection method: clinical testing. Allele origin: germline.

Labcorp Genetics (formerly Invitae), Labcorp
Classification: Uncertain significance. Last evaluated: 2022-02-05. Review status: criteria provided, single submitter. Criteria: Invitae Variant Classification Sherloc (09022015). Collection method: clinical testing. Allele origin: germline.
Comment: This sequence change replaces histidine, which is basic and polar, with arginine, which is basic and polar, at codon 509 of the KIF20A protein (p.His509Arg). This variant is present in population databases (rs377556004, gnomAD 0.004%). In summary, the available evidence is currently insufficient to determine the role of this variant in disease. Therefore, it has been classified as a Variant of Uncertain Significance. Algorithms developed to predict the effect of missense changes on protein structure and function (SIFT, PolyPhen-2, Align-GVGD) all suggest that this variant is likely to be disruptive. This variant has not been reported in the literature in individuals affected with KIF20A-related conditions.

NM_005733.3(KIF20A):c.1526A>G (p.His509Arg)

Gene: KIF20A (kinesin family member 20A; plus strand). Cytogenetic location: 5q31.2.
Variant type: single nucleotide variant.
Coding change: c.1526A>G on transcript NM_005733.3 (MANE Select); coding-DNA position 1526, A replaced by G.
Protein change: p.His509Arg; replaces histidine 509 with arginine.
Molecular consequence: missense variant.
Genome position (GRCh38, 1-based): chr5:138,184,519, A>G. VCF-style: chr5-138184519-A-G. GRCh37 (hg19) VCF-style: chr5-137520208-A-G.
Other names: c.1526A>G (NM_005733.2); short protein forms H509R.
Identifiers: ClinVar variation 1473473 (VCV001473473.7), dbSNP rs377556004, ClinGen allele CA3426639.